The following is an entry in ClinVar:

ClinVar aggregate classification (germline): Uncertain significance (1 of 4 stars; one submission).

Conditions:
Peters plus syndrome. Also called: KRAUSE-KIVLIN SYNDROME. Identifiers: Orphanet 709, MedGen C0796012, MONDO:0009856, OMIM 261540.

Allele frequency attached by ClinVar (database versions not stated): gnomAD 0.00001; TOPMed 0.00002; ExAC 0.00007; ESP Exome Variant Server 0.00008.
gnomAD v4.1: 51 of 1,614,044 alleles (0.0032%); highest among the groups gnomAD compares: Non-Finnish European, 0.0042%; no homozygotes.

Submission:

Labcorp Genetics (formerly Invitae), Labcorp
Classification: Uncertain significance for Peters plus syndrome. Last evaluated: 2021-01-11. Review status: criteria provided, single submitter. Criteria: Invitae Variant Classification Sherloc (09022015). Collection method: clinical testing. Allele origin: germline.
Comment: This sequence change falls in intron 14 of the B3GLCT gene. It does not directly change the encoded amino acid sequence of the B3GLCT protein. It affects a nucleotide within the consensus splice site of the intron. This variant is present in population databases (rs371236148, ExAC 0.01%). This variant has not been reported in the literature in individuals with B3GLCT-related conditions. Nucleotide substitutions within the consensus splice site are a relatively common cause of aberrant splicing (PMID: 17576681, 9536098). Algorithms developed to predict the effect of sequence changes on RNA splicing suggest that this variant is not likely to affect RNA splicing, but this prediction has not been confirmed by published transcriptional studies. In summary, the available evidence is currently insufficient to determine the role of this variant in disease. Therefore, it has been classified as a Variant of Uncertain Significance.

Literature cited by the submitters: PubMed 17576681; PubMed 9536098.

NM_194318.4(B3GLCT):c.1330-3C>T

Gene: B3GLCT (beta 3-glucosyltransferase; plus strand). Cytogenetic location: 13q12.3.
Variant type: single nucleotide variant.
Coding change: c.1330-3C>T on transcript NM_194318.4 (MANE Select); 3 bases into the intron before coding-DNA position 1330, C replaced by T.
Molecular consequence: intron variant.
Genome position (GRCh38, 1-based): chr13:31,329,498, C>T. VCF-style: chr13-31329498-C-T. GRCh37 (hg19) VCF-style: chr13-31903635-C-T.
Identifiers: ClinVar variation 1429072 (VCV001429072.1), dbSNP rs371236148, ClinGen allele CA6936912.